The following is an entry in ClinVar:

NM_000207.3(INS):c.91T>G (p.Cys31Gly)

Genes: INS (insulin; minus strand), INS-IGF2 (INS-IGF2 readthrough; minus strand). Cytogenetic location: 11p15.5.
Variant type: single nucleotide variant.
Coding change: c.91T>G on transcript NM_000207.3 (MANE Select); coding-DNA position 91, T replaced by G.
Protein change: p.Cys31Gly; replaces cysteine 31 with glycine.
Molecular consequence: missense variant. On other transcripts: non-coding transcript variant (1).
Genome position (GRCh38, 1-based): chr11:2,160,881, A>C on the plus strand (T>G on the coding strand, the complement: INS is on the minus strand). VCF-style: chr11-2160881-A-C. GRCh37 (hg19) VCF-style: chr11-2182111-A-C.
Other names: c.91T>G, p.Cys31Gly (NM_001185097.2, NM_001185098.2, NM_001291897.2 and 1 more transcripts); short protein forms C31G.
Identifiers: ClinVar variation 1359577 (VCV001359577.6), dbSNP rs2133676771, ClinGen allele CA379121819.

ClinVar aggregate classification (germline): Uncertain significance (1 of 4 stars; one submission).

Submission:

Labcorp Genetics (formerly Invitae), Labcorp
Classification: Uncertain significance. Last evaluated: 2021-12-03. Review status: criteria provided, single submitter. Criteria: Invitae Variant Classification Sherloc (09022015). Collection method: clinical testing. Allele origin: germline.
Comment: In summary, the available evidence is currently insufficient to determine the role of this variant in disease. Therefore, it has been classified as a Variant of Uncertain Significance. Algorithms developed to predict the effect of missense changes on protein structure and function (SIFT, PolyPhen-2, Align-GVGD) all suggest that this variant is likely to be disruptive. This variant has not been reported in the literature in individuals affected with INS-related conditions. This variant is not present in population databases (gnomAD no frequency). This sequence change replaces cysteine, which is neutral and slightly polar, with glycine, which is neutral and non-polar, at codon 31 of the INS protein (p.Cys31Gly).